The following is an entry in ClinVar:

NC_000023.10:g.(?_31341695)_(31747885_?)del

Gene: DMD (dystrophin; minus strand). Cytogenetic location: Xp21.2-21.1.
Variant type: Deletion.
Identifiers: ClinVar variation 3248385 (VCV003248385.1).

ClinVar aggregate classification (germline): Pathogenic (1 of 4 stars; one submission).

Conditions:
Duchenne muscular dystrophy (DMD). Also called: MUSCULAR DYSTROPHY, PSEUDOHYPERTROPHIC PROGRESSIVE, DUCHENNE TYPE; Duchenne Muscular Dystrophy (DMD). Identifiers: Orphanet 98896, MedGen C0013264, MONDO:0010679, OMIM 310200.

Submission:

Labcorp Genetics (formerly Invitae), Labcorp
Classification: Pathogenic for Duchenne muscular dystrophy. Last evaluated: 2023-09-22. Review status: criteria provided, single submitter. Criteria: Invitae Variant Classification Sherloc (09022015). Collection method: clinical testing. Allele origin: unknown.
Comment: This variant is a gross deletion of the genomic region encompassing exon(s) 52-62 of the DMD gene. This deletion is out-of-frame, and is expected to create a premature termination codon and result in an absent or disrupted protein product. Loss-of-function variants in DMD are known to be pathogenic (PMID: 16770791, 25007885). This variant has not been reported in the literature in individuals affected with DMD-related conditions. For these reasons, this variant has been classified as Pathogenic.

Literature cited by the submitters: PubMed 16770791; PubMed 25007885.